The following is an entry in ClinVar:

ClinVar aggregate classification (germline): Uncertain significance. Review status: criteria provided, multiple submitters, no conflicts (2 of 4 stars). 2 submissions from 2 submitters: Uncertain significance (2). Last evaluated 2025-04-01.

Conditions:
Inborn genetic diseases. Identifiers: MedGen C0950123, MeSH D030342.

Allele frequency attached by ClinVar (database versions not stated): gnomAD exomes below 0.00001; TOPMed below 0.00001; gnomAD 0.00001.
gnomAD v4.1: 3 of 1,614,092 alleles (0.00019%); highest among the groups gnomAD compares: Non-Finnish European, 0.00025%; no homozygotes.

Submissions (2):

Ambry Genetics
Classification: Uncertain significance for Inborn genetic diseases. Last evaluated: 2025-04-01. Review status: criteria provided, single submitter. Criteria: Ambry Variant Classification Scheme 2023. Collection method: clinical testing. Allele origin: germline.

GeneDx
Classification: Uncertain significance. Last evaluated: 2022-09-22. Review status: criteria provided, single submitter. Criteria: GeneDx Variant Classification Process June 2021. Collection method: clinical testing. Allele origin: germline. Affected: yes.
Comment: Not observed at significant frequency in large population cohorts (gnomAD); In silico analysis supports that this missense variant does not alter protein structure/function; Has not been previously published as pathogenic or benign to our knowledge

NM_014049.5(ACAD9):c.1738C>G (p.Leu580Val)

Genes: ACAD9 (acyl-CoA dehydrogenase family member 9; plus strand), CFAP92 (cilia and flagella associated protein 92 (putative); minus strand). Cytogenetic location: 3q21.3.
Variant type: single nucleotide variant.
Coding change: c.1738C>G on transcript NM_014049.5 (MANE Select); coding-DNA position 1738, C replaced by G.
Protein change: p.Leu580Val; replaces leucine 580 with valine.
Molecular consequence: missense variant. On other transcripts: non-coding transcript variant (1), intron variant (3).
Genome position (GRCh38, 1-based): chr3:128,910,786, C>G. VCF-style: chr3-128910786-C-G. GRCh37 (hg19) VCF-style: chr3-128629629-C-G.
Other names: c.1369C>G, p.Leu457Val (NM_001410805.1); c.2312-453G>C (NM_001348521.2); c.2408-453G>C (NM_001348520.2); c.3281-453G>C (NM_001394090.1); short protein forms L457V, L580V.
Identifiers: ClinVar variation 2446355 (VCV002446355.2), dbSNP rs1176334775, ClinGen allele CA354440677.